The following is an entry in ClinVar:

ClinVar aggregate classification (germline): Uncertain significance (1 of 4 stars; one submission).

Conditions:
Hereditary cancer-predisposing syndrome. Also called: Hereditary Cancer Syndrome; Hereditary neoplastic syndrome; Tumor predisposition; Neoplastic Syndromes, Hereditary. Identifiers: Orphanet 140162, MedGen C0027672, MeSH D009386, MONDO:0015356.
Cardiovascular phenotype. Identifiers: MedGen CN230736.

Allele frequency attached by ClinVar (database versions not stated): gnomAD exomes below 0.00001; ExAC 0.00001.
gnomAD v4.1: 6 of 1,612,484 alleles (0.00037%); highest among the groups gnomAD compares: Non-Finnish European, 0.00051%; no homozygotes.

Submission:

Ambry Genetics
Classification: Uncertain significance for Cardiovascular phenotype; Hereditary cancer-predisposing syndrome. Last evaluated: 2021-12-09. Review status: criteria provided, single submitter. Criteria: Ambry Variant Classification Scheme 2023. Collection method: clinical testing. Allele origin: germline.
Comment: The p.D781V variant (also known as c.2342A>T), located in coding exon 20 of the LZTR1 gene, results from an A to T substitution at nucleotide position 2342. The aspartic acid at codon 781 is replaced by valine, an amino acid with highly dissimilar properties. This amino acid position is highly conserved in available vertebrate species. In addition, this alteration is predicted to be deleterious by in silico analysis. Since supporting evidence is limited at this time, the clinical significance of this alteration remains unclear.

NM_006767.4(LZTR1):c.2342A>T (p.Asp781Val)

Gene: LZTR1 (leucine zipper like post translational regulator 1; plus strand). Cytogenetic location: 22q11.21.
Variant type: single nucleotide variant.
Coding change: c.2342A>T on transcript NM_006767.4 (MANE Select); coding-DNA position 2342, A replaced by T.
Protein change: p.Asp781Val; replaces aspartic acid 781 with valine.
Molecular consequence: missense variant.
Genome position (GRCh38, 1-based): chr22:20,996,902, A>T. VCF-style: chr22-20996902-A-T. GRCh37 (hg19) VCF-style: chr22-21351191-A-T.
Other names: short protein forms D781V.
Identifiers: ClinVar variation 1789885 (VCV001789885.2), dbSNP rs775896601, ClinGen allele CA10119371.